The following is an entry in ClinVar:

ClinVar aggregate classification (germline): Likely benign. Review status: criteria provided, multiple submitters, no conflicts (2 of 4 stars). 4 submissions from 4 submitters: Likely benign (4). Last evaluated 2025-12-24.

Conditions:
Juvenile polyposis syndrome (JPS). Identifiers: Orphanet 2929, MedGen C0345893, MONDO:0017380, OMIM 174900.
Juvenile polyposis/hereditary hemorrhagic telangiectasia syndrome (JPHT). Also called: POLYPOSIS, GENERALIZED JUVENILE, WITH PULMONARY ARTERIOVENOUS MALFORMATION; TELANGIECTASIA, HEREDITARY HEMORRHAGIC, WITH JUVENILE POLYPOSIS COLI; Juvenile Polyposis Syndrome / Hereditary Hemorrhagic Telangiectasia (JPS/HHT); JP/HHT SYNDROME; JUVENILE POLYPOSIS WITH HEREDITARY HEMORRHAGIC TELANGIECTASIA. Identifiers: Orphanet 2929, MedGen C1832942, MONDO:0008278, OMIM 175050.

Allele frequency attached by ClinVar (database versions not stated): gnomAD exomes below 0.00001; TOPMed below 0.00001; ExAC 0.00001; gnomAD 0.00001.
gnomAD v4.1: 5 of 1,611,128 alleles (0.00031%); highest among the groups gnomAD compares: Non-Finnish European, 0.00042%; no homozygotes.

Submissions (4):

Labcorp Genetics (formerly Invitae), Labcorp
Classification: Likely benign for Juvenile polyposis syndrome. Last evaluated: 2025-12-24. Review status: criteria provided, single submitter. Criteria: Invitae Variant Classification Sherloc (09022015). Collection method: clinical testing. Allele origin: germline.

Myriad Genetics, Inc.
Classification: Likely benign for Juvenile polyposis/hereditary hemorrhagic telangiectasia syndrome. Last evaluated: 2025-03-19. Review status: criteria provided, single submitter. Criteria: Myriad Autosomal Dominant, Autosomal Recessive and X-Linked Classification Criteria (2023). Collection method: clinical testing. Allele origin: unknown.
Comment: This variant is considered likely benign. This variant is intronic and is not expected to impact mRNA splicing.

Laboratory of Genetics, Children's Clinical University Hospital Latvia
Classification: Likely benign. Last evaluated: 2025-02-16. Review status: criteria provided, single submitter. Criteria: ACMG Guidelines, 2015. Collection method: clinical testing. Allele origin: germline. Affected: yes.

Quest Diagnostics Nichols Institute San Juan Capistrano
Classification: Likely benign. Last evaluated: 2017-09-15. Review status: criteria provided, single submitter. Criteria: Quest Diagnostics criteria. Collection method: clinical testing. Allele origin: germline.

NM_005359.6(SMAD4):c.787+7A>G

Gene: SMAD4 (SMAD family member 4; plus strand). Cytogenetic location: 18q21.2.
Variant type: single nucleotide variant.
Coding change: c.787+7A>G on transcript NM_005359.6 (MANE Select); 7 bases into the intron after coding-DNA position 787, A replaced by G.
Molecular consequence: intron variant.
Genome position (GRCh38, 1-based): chr18:51,058,251, A>G. VCF-style: chr18-51058251-A-G. GRCh37 (hg19) VCF-style: chr18-48584621-A-G.
Identifiers: ClinVar variation 460566 (VCV000460566.15), dbSNP rs779803439, ClinGen allele CA8965898.